The following is an entry in ClinVar:

NM_001041.4(SI):c.4268-1G>A

Gene: SI (sucrase-isomaltase; minus strand). Cytogenetic location: 3q26.1.
Variant type: single nucleotide variant.
Coding change: c.4268-1G>A on transcript NM_001041.4 (MANE Select); the canonical splice acceptor site of the intron before coding-DNA position 4268, G replaced by A.
Molecular consequence: splice acceptor variant.
Genome position (GRCh38, 1-based): chr3:165,006,955, C>T on the plus strand (G>A on the coding strand, the complement: SI is on the minus strand). VCF-style: chr3-165006955-C-T. GRCh37 (hg19) VCF-style: chr3-164724743-C-T.
Identifiers: ClinVar variation 2017982 (VCV002017982.4), dbSNP rs1241484464, ClinGen allele CA355032646.

ClinVar aggregate classification (germline): Likely pathogenic (1 of 4 stars; one submission).

Submission:

Labcorp Genetics (formerly Invitae), Labcorp
Classification: Likely pathogenic. Last evaluated: 2022-07-17. Review status: criteria provided, single submitter. Criteria: Invitae Variant Classification Sherloc (09022015). Collection method: clinical testing. Allele origin: germline.
Comment: In summary, the currently available evidence indicates that the variant is pathogenic, but additional data are needed to prove that conclusively. Therefore, this variant has been classified as Likely Pathogenic. Algorithms developed to predict the effect of sequence changes on RNA splicing suggest that this variant may disrupt the consensus splice site. This variant has not been reported in the literature in individuals affected with SI-related conditions. This variant is not present in population databases (gnomAD no frequency). This sequence change affects an acceptor splice site in intron 36 of the SI gene. It is expected to disrupt RNA splicing. Variants that disrupt the donor or acceptor splice site typically lead to a loss of protein function (PMID: 16199547), and loss-of-function variants in SI are known to be pathogenic (PMID: 16329100, 23103650, 25452324).

Literature cited by the submitters: PubMed 16199547; PubMed 16329100; PubMed 23103650; PubMed 25452324.